The following is an entry in ClinVar:

NM_003835.4(RGS9):c.104G>A (p.Arg35Gln)

Gene: RGS9 (regulator of G protein signaling 9; plus strand). Cytogenetic location: 17q24.1.
Variant type: single nucleotide variant.
Coding change: c.104G>A on transcript NM_003835.4 (MANE Select); coding-DNA position 104, G replaced by A.
Protein change: p.Arg35Gln; replaces arginine 35 with glutamine.
Molecular consequence: missense variant.
Genome position (GRCh38, 1-based): chr17:65,153,468, G>A. VCF-style: chr17-65153468-G-A. GRCh37 (hg19) VCF-style: chr17-63149586-G-A.
Other names: c.104G>A, p.Arg35Gln (NM_001081955.3, NM_001165933.2); short protein forms R35Q.
Identifiers: ClinVar variation 953845 (VCV000953845.8), dbSNP rs532990168, ClinGen allele CA293067825.

ClinVar aggregate classification (germline): Uncertain significance. Review status: criteria provided, multiple submitters, no conflicts (2 of 4 stars). 2 submissions from 2 submitters: Uncertain significance (2). Last evaluated 2022-06-01.

Allele frequency attached by ClinVar (database versions not stated): gnomAD exomes below 0.00001 and 0.00001; gnomAD 0.00001 and 0.00002; TOPMed 0.00001.

Submissions (2):

Blueprint Genetics
Classification: Uncertain significance. Last evaluated: 2022-06-01. Review status: criteria provided, single submitter. Criteria: ACMG Guidelines, 2015. Collection method: clinical testing. Allele origin: germline.

Labcorp Genetics (formerly Invitae), Labcorp
Classification: Uncertain significance. Last evaluated: 2022-03-04. Review status: criteria provided, single submitter. Criteria: Invitae Variant Classification Sherloc (09022015). Collection method: clinical testing. Allele origin: germline.
Comment: This sequence change replaces arginine, which is basic and polar, with glutamine, which is neutral and polar, at codon 35 of the RGS9 protein (p.Arg35Gln). This variant is present in population databases (rs532990168, gnomAD 0.004%). This variant has not been reported in the literature in individuals affected with RGS9-related conditions. ClinVar contains an entry for this variant (Variation ID: 953845). Algorithms developed to predict the effect of missense changes on protein structure and function are either unavailable or do not agree on the potential impact of this missense change (SIFT: "Deleterious"; PolyPhen-2: "Benign"; Align-GVGD: "Class C0"). In summary, the available evidence is currently insufficient to determine the role of this variant in disease. Therefore, it has been classified as a Variant of Uncertain Significance.